The following is an entry in ClinVar:

NM_000222.3(KIT):c.1126G>T (p.Glu376Ter)

Gene: KIT (KIT proto-oncogene, receptor tyrosine kinase; plus strand). Cytogenetic location: 4q12.
Variant type: single nucleotide variant.
Coding change: c.1126G>T on transcript NM_000222.3 (MANE Select); coding-DNA position 1126, G replaced by T.
Protein change: p.Glu376Ter; replaces glutamic acid 376 with a stop codon.
Molecular consequence: nonsense.
Genome position (GRCh38, 1-based): chr4:54,709,434, G>T. VCF-style: chr4-54709434-G-T. GRCh37 (hg19) VCF-style: chr4-55575600-G-T.
Other names: c.1126G>T, p.Glu376Ter (NM_001093772.2, NM_001385285.1, NM_001385286.1); c.1129G>T, p.Glu377Ter (NM_001385284.1, NM_001385288.1, NM_001385290.1 and 1 more transcripts); short protein forms E376*, E377*.
Identifiers: ClinVar variation 1071467 (VCV001071467.7), dbSNP rs1720997965, ClinGen allele CA356902037.

ClinVar aggregate classification (germline): Pathogenic (1 of 4 stars; one submission).

Conditions:
Gastrointestinal stromal tumor. Also called: Gastrointestinal stromal tumor, somatic; Gastrointestinal stroma tumor. Identifiers: Orphanet 44890, MedGen C0238198, MeSH D046152, MONDO:0011719, OMIM 606764, HP:0100723.

Submission:

Labcorp Genetics (formerly Invitae), Labcorp
Classification: Pathogenic for Gastrointestinal stromal tumor. Last evaluated: 2020-05-13. Review status: criteria provided, single submitter. Criteria: Invitae Variant Classification Sherloc (09022015). Collection method: clinical testing. Allele origin: germline.
Comment: This variant has not been reported in the literature in individuals with KIT-related conditions. For these reasons, this variant has been classified as Pathogenic. Loss-of-function variants in KIT are known to be pathogenic (PMID: 15194144). This variant is not present in population databases (ExAC no frequency). This sequence change creates a premature translational stop signal (p.Glu376*) in the KIT gene. It is expected to result in an absent or disrupted protein product.

Literature cited by the submitters: PubMed 15194144.